The following is an entry in ClinVar:

NM_001323289.2(CDKL5):c.350dup (p.Tyr117Ter)

Gene: CDKL5 (cyclin dependent kinase like 5; plus strand). Cytogenetic location: Xp22.13.
Variant type: Duplication.
Coding change: c.350dup on transcript NM_001323289.2 (MANE Select); coding-DNA position 350, one base duplicated (A; older notation c.350dupA).
Protein change: p.Tyr117Ter; replaces tyrosine 117 with a stop codon.
Molecular consequence: nonsense.
Genome position (GRCh38, 1-based): chrX:18,579,915, A duplicated. VCF-style (leftmost placement, unchanged base first): chrX-18579914-T-TA. GRCh37 (hg19) VCF-style: chrX-18598034-T-TA.
Other names: c.350dup, p.Tyr117Ter (NM_001037343.2, NM_003159.3); short protein forms Y117*.
Identifiers: ClinVar variation 2444407 (VCV002444407.1), dbSNP rs2518849210, ClinGen allele CA2580100384.

ClinVar aggregate classification (germline): Likely pathogenic (1 of 4 stars; one submission).

Conditions:
Developmental and epileptic encephalopathy, 2 (DEE2). Also called: INFANTILE SPASM SYNDROME, X-LINKED 2; CDKL5 deficiency disorder. Identifiers: Orphanet 1934, Orphanet 3451, Orphanet 505652, MedGen C4750718, MONDO:0010396, OMIM 300672.

Submission:

3billion
Classification: Likely pathogenic for Developmental and epileptic encephalopathy, 2. Last evaluated: 2023-02-23. Review status: criteria provided, single submitter. Criteria: ACMG Guidelines, 2015. Collection method: clinical testing. Allele origin: unknown. Affected: yes.
Comment: The variant is not observed in the gnomAD v2.1.1 dataset. This variant was predicted to result in a loss or disruption of normal protein function through nonsense-mediated decay (NMD) or protein truncation. Multiple pathogenic variants are reported downstream of the variant. Therefore, this variant is classified as Likely pathogenic according to the recommendation of ACMG/AMP guideline.